The following is an entry in ClinVar:

NM_000283.4(PDE6B):c.1235A>T (p.Glu412Val)

Gene: PDE6B (phosphodiesterase 6B; plus strand). Cytogenetic location: 4p16.3.
Variant type: single nucleotide variant.
Coding change: c.1235A>T on transcript NM_000283.4 (MANE Select); coding-DNA position 1235, A replaced by T.
Protein change: p.Glu412Val; replaces glutamic acid 412 with valine.
Molecular consequence: missense variant.
Genome position (GRCh38, 1-based): chr4:657,001, A>T. VCF-style: chr4-657001-A-T. GRCh37 (hg19) VCF-style: chr4-650790-A-T.
Other names: c.1235A>T, p.Glu412Val (NM_001145291.2); c.398A>T, p.Glu133Val (NM_001145292.2, NM_001350154.3, NM_001379246.1 and 1 more transcripts); c.80A>T, p.Glu27Val (NM_001350155.3); short protein forms E133V, E27V, E412V.
Identifiers: ClinVar variation 1353348 (VCV001353348.9), dbSNP rs776905782, ClinGen allele CA2794396.

ClinVar aggregate classification (germline): Uncertain significance. Review status: criteria provided, multiple submitters, no conflicts (2 of 4 stars). 2 submissions from 2 submitters: Uncertain significance (2). Last evaluated 2022-09-01.

Allele frequency attached by ClinVar (database versions not stated): gnomAD exomes below 0.00001 and 0.00001; ExAC 0.00001; TOPMed 0.00001; gnomAD 0.00002.
gnomAD v4.1: 4 of 1,613,152 alleles (0.00025%); highest among the groups gnomAD compares: African/African-American, 0.0053%; no homozygotes.

Submissions (2):

Labcorp Genetics (formerly Invitae), Labcorp
Classification: Uncertain significance. Last evaluated: 2022-09-01. Review status: criteria provided, single submitter. Criteria: Invitae Variant Classification Sherloc (09022015). Collection method: clinical testing. Allele origin: germline.
Comment: In summary, the available evidence is currently insufficient to determine the role of this variant in disease. Therefore, it has been classified as a Variant of Uncertain Significance. Algorithms developed to predict the effect of missense changes on protein structure and function are either unavailable or do not agree on the potential impact of this missense change (SIFT: "Deleterious"; PolyPhen-2: "Probably Damaging"; Align-GVGD: "Class C0"). ClinVar contains an entry for this variant (Variation ID: 1353348). This variant has not been reported in the literature in individuals affected with PDE6B-related conditions. This variant is present in population databases (rs776905782, gnomAD 0.01%). This sequence change replaces glutamic acid, which is acidic and polar, with valine, which is neutral and non-polar, at codon 412 of the PDE6B protein (p.Glu412Val).

Blueprint Genetics
Classification: Uncertain significance. Last evaluated: 2022-04-04. Review status: criteria provided, single submitter. Criteria: ACMG Guidelines, 2015. Collection method: clinical testing. Allele origin: germline.